The following is an entry in ClinVar:

ClinVar aggregate classification (germline): Uncertain significance (1 of 4 stars; one submission).

Allele frequency attached by ClinVar (database versions not stated): TOPMed 0.00003.
gnomAD v4.1: 15 of 1,549,958 alleles (0.00097%); highest among the groups gnomAD compares: Non-Finnish European, 0.0013%; no homozygotes.

Submission:

Labcorp Genetics (formerly Invitae), Labcorp
Classification: Uncertain significance. Last evaluated: 2024-04-15. Review status: criteria provided, single submitter. Criteria: Invitae Variant Classification Sherloc (09022015). Collection method: clinical testing. Allele origin: germline.
Comment: This sequence change replaces glutamine, which is neutral and polar, with histidine, which is basic and polar, at codon 809 of the MYO7A protein (p.Gln809His). This variant is present in population databases (no rsID available, gnomAD 0.007%). This variant has not been reported in the literature in individuals affected with MYO7A-related conditions. ClinVar contains an entry for this variant (Variation ID: 1008566). Advanced modeling of protein sequence and biophysical properties (such as structural, functional, and spatial information, amino acid conservation, physicochemical variation, residue mobility, and thermodynamic stability) performed at Invitae indicates that this missense variant is not expected to disrupt MYO7A protein function with a negative predictive value of 95%. In summary, the available evidence is currently insufficient to determine the role of this variant in disease. Therefore, it has been classified as a Variant of Uncertain Significance.

NM_000260.4(MYO7A):c.2427G>C (p.Gln809His)

Gene: MYO7A (myosin VIIA; plus strand). Cytogenetic location: 11q13.5.
Variant type: single nucleotide variant.
Coding change: c.2427G>C on transcript NM_000260.4 (MANE Select); coding-DNA position 2427, G replaced by C.
Protein change: p.Gln809His; replaces glutamine 809 with histidine.
Molecular consequence: missense variant.
Genome position (GRCh38, 1-based): chr11:77,179,794, G>C. VCF-style: chr11-77179794-G-C. GRCh37 (hg19) VCF-style: chr11-76890840-G-C.
Other names: c.2427G>C, p.Gln809His (NM_001127180.2); c.2394G>C, p.Gln798His (NM_001369365.1); short protein forms Q798H, Q809H.
Identifiers: ClinVar variation 1008566 (VCV001008566.8), dbSNP rs782650544, ClinGen allele CA381941577.
Genomic context (GRCh38, chr11:77,179,794, plus strand): 5'-GATGCGTCTGGGCTTCCTGCGGCTGCAGGCCCTGCACCGCTCCCGGAAGCTGCACCAGCA[G>C]TACCGCCTGGCCCGCCAGCGCATCATCCAGTTCCAGGCCCGCTGCCGCGCCTATCTGGTG-3'
Protein context (NP_000251.3, residues 799-819): ALHRSRKLHQ[Gln809His]YRLARQRIIQ